The following is an entry in ClinVar:

ClinVar aggregate classification (germline): Pathogenic/Likely pathogenic. Review status: criteria provided, multiple submitters, no conflicts (2 of 4 stars). 4 submissions from 4 submitters: Pathogenic (1); Likely pathogenic (2). 1 of the submissions does not count toward it. Last evaluated 2025-11-18.

Conditions:
Alport syndrome. Also called: Hemorrhagic familial nephritis; Hemorrhagic hereditary nephritis; Congenital hereditary hematuria. Identifiers: Orphanet 63, MedGen C1567741, MONDO:0018965.
Autosomal recessive Alport syndrome (ATS2). Also called: Alport syndrome type 2; ALPORT SYNDROME 2, AUTOSOMAL RECESSIVE; COL4A3-Related Nephropathy; COL4A4 Alport Syndrome and Thin Basement Membrane Nephropathy. Identifiers: Orphanet 63, Orphanet 88919, MedGen C4746745, MONDO:0008762, OMIM 203780.

Submissions (4):

Natera, Inc.
Classification: Likely pathogenic for Alport syndrome. Last evaluated: 2025-11-18. Review status: criteria provided, single submitter. Criteria: Natera Variant Classification Schema (03/2026). Collection method: clinical testing. Allele origin: germline.
Comment: The c.3211-1G>C variant in COL4A3 is a canonical splice acceptor site variant predicted to affect pre-mRNA splicing, which may result in an abnormal transcript and altered protein product. This variant is expected to result in nonsense mediated decay, truncation, or a dysfunctional protein product. This variant is rare in the general population with a frequency below the threshold expected for the associated phenotype(s). Given the available evidence, this variant is classified as Likely Pathogenic.

Labcorp Genetics (formerly Invitae), Labcorp
Classification: Pathogenic. Last evaluated: 2022-02-08. Review status: criteria provided, single submitter. Criteria: Invitae Variant Classification Sherloc (09022015). Collection method: clinical testing. Allele origin: germline.
Comment: This sequence change affects an acceptor splice site in intron 37 of the COL4A3 gene. It is expected to disrupt RNA splicing. Variants that disrupt the donor or acceptor splice site typically lead to a loss of protein function (PMID: 16199547), and loss-of-function variants in COL4A3 are known to be pathogenic (PMID: 8956999, 24854265, 26809805, 27281700). This variant is not present in population databases (gnomAD no frequency). Disruption of this splice site has been observed in individuals with autosomal dominant and recessive Alport syndrome (PMID: 11134255; Invitae). ClinVar contains an entry for this variant (Variation ID: 557875). Algorithms developed to predict the effect of sequence changes on RNA splicing suggest that this variant may disrupt the consensus splice site. For these reasons, this variant has been classified as Pathogenic.

Women's Health and Genetics/Laboratory Corporation of America, LabCorp
Classification: Likely pathogenic for Autosomal recessive Alport syndrome. Last evaluated: 2021-11-30. Review status: criteria provided, single submitter. Criteria: LabCorp Variant Classification Summary - May 2015. Collection method: clinical testing. Allele origin: germline.
Comment: Variant summary: COL4A3 c.3211-1G>C is located in a canonical splice-site and is predicted to affect mRNA splicing resulting in a significantly altered protein due to either exon skipping, shortening, or inclusion of intronic material. One computational tool predicts that the variant abolishes the canonical 3' acceptor site. However, this prediction has yet to be confirmed by functional studies. The variant was absent in 249502 control chromosomes (gnomAD). To our knowledge, no occurrence of c.3211-1G>C in individuals affected with Alport Syndrome, Autosomal Recessive and no experimental evidence demonstrating its impact on protein function have been reported. One clinical diagnostic laboratory has submitted clinical-significance assessments for this variant to ClinVar after 2014 and classified the variant as likely pathogenic. Based on the evidence outlined above, the variant was classified as likely pathogenic.

Counsyl
Classification: Likely pathogenic for Autosomal recessive Alport syndrome. Last evaluated: 2018-04-13. Review status: no assertion criteria provided. Collection method: clinical testing. Allele origin: unknown. Not counted in ClinVar's aggregate classification.

Literature cited by the submitters: PubMed 16199547 (cited by Labcorp Genetics (formerly Invitae), Labcorp); PubMed 8956999 (cited by Labcorp Genetics (formerly Invitae), Labcorp); PubMed 24854265 (cited by Labcorp Genetics (formerly Invitae), Labcorp); PubMed 26809805 (cited by Labcorp Genetics (formerly Invitae), Labcorp); PubMed 27281700 (cited by Labcorp Genetics (formerly Invitae), Labcorp); PubMed 11134255 (cited by Labcorp Genetics (formerly Invitae), Labcorp).

NM_000091.5(COL4A3):c.3211-1G>C

Genes: COL4A3 (collagen type IV alpha 3 chain; plus strand), MFF-DT (MFF divergent transcript; minus strand). Cytogenetic location: 2q36.3.
Variant type: single nucleotide variant.
Coding change: c.3211-1G>C on transcript NM_000091.5 (MANE Select); the canonical splice acceptor site of the intron before coding-DNA position 3211, G replaced by C.
Molecular consequence: splice acceptor variant.
Genome position (GRCh38, 1-based): chr2:227,293,190, G>C. VCF-style: chr2-227293190-G-C. GRCh37 (hg19) VCF-style: chr2-228157906-G-C.
Identifiers: ClinVar variation 557875 (VCV000557875.6), dbSNP rs1553762936, ClinGen allele CA350857066.
Genomic context (GRCh38, chr2:227,293,190, plus strand): 5'-TGAATTCTTACCACATATCCTGCTTATATGAGAATTTTAAAGGTATTTGACTACATTTAA[G>C]GGGGATCCAGGACTGCCGGGTGATATGGGAAAGAAAGGAGAAATGGGGCAACCTGGCCCA-3'